The following is an entry in ClinVar:

NM_002691.4(POLD1):c.364G>A (p.Val122Met)

Gene: POLD1 (DNA polymerase delta 1, catalytic subunit; plus strand). Cytogenetic location: 19q13.33.
Variant type: single nucleotide variant.
Coding change: c.364G>A on transcript NM_002691.4 (MANE Select); coding-DNA position 364, G replaced by A.
Protein change: p.Val122Met; replaces valine 122 with methionine.
Molecular consequence: missense variant. On other transcripts: non-coding transcript variant (1).
Genome position (GRCh38, 1-based): chr19:50,401,825, G>A. VCF-style: chr19-50401825-G-A. GRCh37 (hg19) VCF-style: chr19-50905082-G-A.
Other names: c.364G>A, p.Val122Met (NM_001256849.1, NM_001308632.1); c.364G>A (NM_002691.2); short protein forms V122M.
Identifiers: ClinVar variation 575159 (VCV000575159.17), dbSNP rs141579552, ClinGen allele CA9595713.

ClinVar aggregate classification (germline): Conflicting classifications of pathogenicity. Review status: criteria provided, conflicting classifications (1 of 4 stars). 6 submissions from 6 submitters: Uncertain significance (5); Likely benign (1). Last evaluated 2026-01-18.

Conditions:
POLD1-related polyposis and colorectal cancer syndrome (CRCS10). Also called: Colorectal cancer 10; COLORECTAL CANCER, SUSCEPTIBILITY TO, ON CHROMOSOME 19q; Colorectal cancer, susceptibility to, 10. Identifiers: Orphanet 220460, MedGen C2675481, MONDO:0012953, OMIM 612591.
Hereditary cancer-predisposing syndrome. Also called: Tumor predisposition; Neoplastic Syndromes, Hereditary; Hereditary Cancer Syndrome; Hereditary neoplastic syndrome. Identifiers: Orphanet 140162, MedGen C0027672, MeSH D009386, MONDO:0015356.
Mandibular hypoplasia-deafness-progeroid syndrome. Also called: Mandibular hypoplasia, deafness, progeroid features, and lipodystrophy syndrome. Identifiers: Orphanet 363649, MedGen C3715192, MONDO:0014157, OMIM 615381.

Allele frequency attached by ClinVar (database versions not stated): gnomAD below 0.00001 and 0.00001; gnomAD exomes 0.00001 and 0.00003; TOPMed 0.00002; ExAC 0.00003; ESP Exome Variant Server 0.00015.
gnomAD v4.1: 21 of 1,613,588 alleles (0.0013%); highest among the groups gnomAD compares: South Asian, 0.0077%; no homozygotes.

Submissions (6):

Labcorp Genetics (formerly Invitae), Labcorp
Classification: Uncertain significance for POLD1-related polyposis and colorectal cancer syndrome. Last evaluated: 2026-01-18. Review status: criteria provided, single submitter. Criteria: Invitae Variant Classification Sherloc (09022015). Collection method: clinical testing. Allele origin: germline.
Comment: This sequence change replaces valine, which is neutral and non-polar, with methionine, which is neutral and non-polar, at codon 122 of the POLD1 protein (p.Val122Met). This variant is present in population databases (rs141579552, gnomAD 0.01%). This variant has not been reported in the literature in individuals affected with POLD1-related conditions. ClinVar contains an entry for this variant (Variation ID: 575159). Invitae Evidence Modeling of protein sequence and biophysical properties (such as structural, functional, and spatial information, amino acid conservation, physicochemical variation, residue mobility, and thermodynamic stability) indicates that this missense variant is not expected to disrupt POLD1 protein function with a negative predictive value of 80%. In summary, the available evidence is currently insufficient to determine the role of this variant in disease. Therefore, it has been classified as a Variant of Uncertain Significance.

Ambry Genetics
Classification: Uncertain significance for Hereditary cancer-predisposing syndrome. Last evaluated: 2024-12-13. Review status: criteria provided, single submitter. Criteria: Ambry Variant Classification Scheme 2023. Collection method: clinical testing. Allele origin: germline.
Comment: The p.V122M variant (also known as c.364G>A), located in coding exon 3 of the POLD1 gene, results from a G to A substitution at nucleotide position 364. The valine at codon 122 is replaced by methionine, an amino acid with highly similar properties. This amino acid position is highly conserved in available vertebrate species. In addition, this alteration is predicted to be tolerated by in silico analysis. Based on the available evidence, the clinical significance of this variant remains unclear.

Blueprint Genetics
Classification: Likely benign. Last evaluated: 2024-08-30. Review status: criteria provided, single submitter. Criteria: ACMG Guidelines, 2015. Collection method: clinical testing. Allele origin: germline.

GeneDx
Classification: Uncertain significance. Last evaluated: 2023-02-02. Review status: criteria provided, single submitter. Criteria: GeneDx Variant Classification Process June 2021. Collection method: clinical testing. Allele origin: germline. Affected: yes.
Comment: In silico analysis supports that this missense variant has a deleterious effect on protein structure/function; Has not been previously published as pathogenic or benign to our knowledge; This variant is associated with the following publications: (PMID: 35620275)

Fulgent Genetics
Classification: Uncertain significance for POLD1-related polyposis and colorectal cancer syndrome; Mandibular hypoplasia-deafness-progeroid syndrome. Last evaluated: 2022-03-04. Review status: criteria provided, single submitter. Criteria: ACMG Guidelines, 2015. Collection method: clinical testing. Allele origin: unknown.

Breakthrough Genomics
Classification: Uncertain significance. Review status: criteria provided, single submitter. Criteria: ACMG Guidelines, 2015. Collection method: not provided. Allele origin: germline. Inheritance: Autosomal dominant inheritance. Affected: yes.